The following is an entry in ClinVar:

ClinVar aggregate classification (germline): Uncertain significance (1 of 4 stars; one submission).

Conditions:
Inborn genetic diseases. Identifiers: MedGen C0950123, MeSH D030342.

Submission:

Ambry Genetics
Classification: Uncertain significance for Inborn genetic diseases. Last evaluated: 2025-01-16. Review status: criteria provided, single submitter. Criteria: Ambry Variant Classification Scheme 2023. Collection method: clinical testing. Allele origin: germline.
Comment: The c.1489_1491delCTT variant (also known as p.L497del) is located in coding exon 6 of the MBD4 gene. This variant results from an in-frame CTT deletion at nucleotide positions 1489 to 1491. This results in the in-frame deletion of a leucine at codon 497. This amino acid position is well conserved in available vertebrate species. In addition, this alteration is predicted to be deleterious by in silico analysis (Choi Y et al. PLoS ONE. 2012; 7(10):e46688). Based on the available evidence, the clinical significance of this variant remains unclear.

NM_001276270.2(MBD4):c.1486CTT[1] (p.Leu497del)

Gene: MBD4 (methyl-CpG binding domain 4, DNA glycosylase; minus strand). Cytogenetic location: 3q21.3.
Variant type: Microsatellite.
Coding change: c.1486CTT[1] on transcript NM_001276270.2 (MANE Select); one copy of the 3-base unit CTT starting at c.1486; the reference has two copies in a row; one copy, 3 bases deleted.
Protein change: p.Leu497del; deletes leucine 497.
Molecular consequence: inframe deletion.
Genome position (GRCh38, 1-based): chr3:129,433,150-129,433,152, AAG deleted on the plus strand (CTT on the coding strand, the reverse complement: MBD4 is on the minus strand); deleting any 3 consecutive bases within chr3:129,433,150-129,433,155 gives the same sequence; the position shown is the placement nearest the transcript's 3' end. VCF-style (leftmost placement, unchanged base first): chr3-129433149-TAAG-T. GRCh37 (hg19) VCF-style: chr3-129151992-TAAG-T.
Other names: c.1504CTT[1], p.Leu503del (NM_001276271.2, NM_001276272.2, NM_003925.3); c.550CTT[1], p.Leu185del (NM_001276273.2); c.1489_1491delCTT (NM_001276270.2); short protein forms L497del, L185del, L503del.
Identifiers: ClinVar variation 3870888 (VCV003870888.1).
Genomic context (GRCh38, chr3:129,433,149, plus strand): 5'-GGAAAATACCTGAGAACTTGACAATGGTTTTTGCCCGAAGATCGTAGAGACCAAGAGGTT[TAAG>T]AAGTTCTGACACATCTCTCCAGTCTGCGGTTCTTGCTACCTCAGCTGAAGGATACTTCTC-3'